The following is an entry in ClinVar:

ClinVar aggregate classification (germline): Likely benign (0 of 4 stars; one submission).

Conditions:
CHD1-related disorder. Also called: CHD1-related condition.

Submission:

PreventionGenetics, part of Exact Sciences
Classification: Likely benign for CHD1-related condition. Last evaluated: 2022-12-28. Review status: no assertion criteria provided. Collection method: clinical testing. Allele origin: germline.
Comment: This variant is classified as likely benign based on ACMG/AMP sequence variant interpretation guidelines (Richards et al. 2015 PMID: 25741868, with internal and published modifications).

NM_001270.4(CHD1):c.828A>G (p.Arg276=)

Gene: CHD1 (chromodomain helicase DNA binding protein 1; minus strand). Cytogenetic location: 5q21.1.
Variant type: single nucleotide variant.
Coding change: c.828A>G on transcript NM_001270.4 (MANE Select); coding-DNA position 828, A replaced by G.
Protein change: p.Arg276=; no amino-acid change (arginine 276 retained).
Molecular consequence: synonymous variant. On other transcripts: non-coding transcript variant (2).
Genome position (GRCh38, 1-based): chr5:98,900,842, T>C on the plus strand (A>G on the coding strand, the complement: CHD1 is on the minus strand). VCF-style: chr5-98900842-T-C. GRCh37 (hg19) VCF-style: chr5-98236546-T-C.
Other names: c.828A>G, p.Arg276= (NM_001364113.3, NM_001376194.2).
Identifiers: ClinVar variation 3043656 (VCV003043656.2), dbSNP rs2112522139, ClinGen allele CA445533234.